The following is an entry in ClinVar:

ClinVar aggregate classification (germline): Likely benign. Review status: criteria provided, single submitter (1 of 4 stars). 2 submissions from 2 submitters: Likely benign (1). 1 of the submissions does not count toward it. Last evaluated 2024-10-17.

Conditions:
POLR3B-related disorder. Also called: POLR3B-related condition; POLR3B-related disorders. Identifiers: MedGen CN378588, MONDO:0700277.

Allele frequency attached by ClinVar (database versions not stated): 1000 Genomes Project 0.00060; 1000 Genomes Project 30x 0.00094; gnomAD 0.00013; ESP Exome Variant Server 0.00015; TOPMed 0.00018.
gnomAD v4.1: 40 of 1,613,390 alleles (0.0025%); highest among the groups gnomAD compares: African/African-American, 0.052%; no homozygotes.

Submissions (2):

Labcorp Genetics (formerly Invitae), Labcorp
Classification: Likely benign. Last evaluated: 2024-10-17. Review status: criteria provided, single submitter. Criteria: Invitae Variant Classification Sherloc (09022015). Collection method: clinical testing. Allele origin: germline.

PreventionGenetics, part of Exact Sciences
Classification: Likely benign for POLR3B-related condition. Last evaluated: 2022-08-23. Review status: no assertion criteria provided. Collection method: clinical testing. Allele origin: germline. Not counted in ClinVar's aggregate classification.
Comment: This variant is classified as likely benign based on ACMG/AMP sequence variant interpretation guidelines (Richards et al. 2015 PMID: 25741868, with internal and published modifications).

NM_018082.6(POLR3B):c.1689A>G (p.Arg563=)

Gene: POLR3B (RNA polymerase III subunit B; plus strand). Cytogenetic location: 12q23.3.
Variant type: single nucleotide variant.
Coding change: c.1689A>G on transcript NM_018082.6 (MANE Select); coding-DNA position 1689, A replaced by G.
Protein change: p.Arg563=; no amino-acid change (arginine 563 retained).
Molecular consequence: synonymous variant.
Genome position (GRCh38, 1-based): chr12:106,433,780, A>G. VCF-style: chr12-106433780-A-G. GRCh37 (hg19) VCF-style: chr12-106827558-A-G.
Other names: c.1689A>G (NM_018082.5); c.1515A>G, p.Arg505= (NM_001160708.2).
Identifiers: ClinVar variation 2071839 (VCV002071839.6), dbSNP rs200865877, ClinGen allele CA6761995.